The following is an entry in ClinVar:

NM_153033.5(KCTD7):c.398C>T (p.Ala133Val)

Gene: KCTD7 (potassium channel tetramerization domain containing 7; plus strand). Cytogenetic location: 7q11.21.
Variant type: single nucleotide variant.
Coding change: c.398C>T on transcript NM_153033.5 (MANE Select); coding-DNA position 398, C replaced by T.
Protein change: p.Ala133Val; replaces alanine 133 with valine.
Molecular consequence: missense variant.
Genome position (GRCh38, 1-based): chr7:66,638,336, C>T. VCF-style: chr7-66638336-C-T. GRCh37 (hg19) VCF-style: chr7-66103323-C-T.
Other names: c.398C>T, p.Ala133Val (NM_001167961.2); short protein forms A133V.
Identifiers: ClinVar variation 577313 (VCV000577313.7), dbSNP rs372103637, ClinGen allele CA4278248.

ClinVar aggregate classification (germline): Uncertain significance (1 of 4 stars; one submission).

Conditions:
Progressive myoclonic epilepsy type 3. Also called: EPILEPSY, PROGRESSIVE MYOCLONIC, 3, WITH OR WITHOUT INTRACELLULAR INCLUSIONS; CEROID LIPOFUSCINOSIS, NEURONAL, 14; EPILEPSY, PROGRESSIVE MYOCLONIC, 3, WITHOUT INTRACELLULAR INCLUSIONS; KCTD7-Related Progressive Myoclonic Epilepsy. Identifiers: Orphanet 263516, MedGen C2673257, MONDO:0012721, OMIM 611726.

Allele frequency attached by ClinVar (database versions not stated): ExAC 0.00001; TOPMed 0.00001; gnomAD 0.00002; gnomAD exomes 0.00003; ESP Exome Variant Server 0.00008.
gnomAD v4.1: 45 of 1,614,120 alleles (0.0028%); highest among the groups gnomAD compares: Non-Finnish European, 0.0037%; no homozygotes.

Submission:

Labcorp Genetics (formerly Invitae), Labcorp
Classification: Uncertain significance for Progressive myoclonic epilepsy type 3. Last evaluated: 2021-08-24. Review status: criteria provided, single submitter. Criteria: Invitae Variant Classification Sherloc (09022015). Collection method: clinical testing. Allele origin: germline.
Comment: This sequence change replaces alanine with valine at codon 133 of the KCTD7 protein (p.Ala133Val). The alanine residue is moderately conserved and there is a small physicochemical difference between alanine and valine. This variant is present in population databases (rs372103637, ExAC 0.001%). This variant has not been reported in the literature in individuals affected with KCTD7-related conditions. Algorithms developed to predict the effect of missense changes on protein structure and function (SIFT, PolyPhen-2, Align-GVGD) all suggest that this variant is likely to be tolerated. In summary, the available evidence is currently insufficient to determine the role of this variant in disease. Therefore, it has been classified as a Variant of Uncertain Significance.